The following is an entry in ClinVar:

ClinVar aggregate classification (germline): Uncertain significance (1 of 4 stars; one submission).

Submission:

GeneDx
Classification: Uncertain significance. Last evaluated: 2022-04-01. Review status: criteria provided, single submitter. Criteria: GeneDx Variant Classification Process June 2021. Collection method: clinical testing. Allele origin: germline. Affected: yes.
Comment: Not observed at significant frequency in large population cohorts (gnomAD); In silico analysis supports that this missense variant has a deleterious effect on protein structure/function; Has not been previously published as pathogenic or benign to our knowledge; Variants in candidate genes are classified as variants of uncertain significance in accordance with ACMG guidelines (Richards et al., 2015)

NM_004663.5(RAB11A):c.200C>T (p.Thr67Ile)

Gene: RAB11A (RAB11A, member RAS oncogene family; plus strand). Cytogenetic location: 15q22.31.
Variant type: single nucleotide variant.
Coding change: c.200C>T on transcript NM_004663.5 (MANE Select); coding-DNA position 200, C replaced by T.
Protein change: p.Thr67Ile; replaces threonine 67 with isoleucine.
Molecular consequence: missense variant.
Genome position (GRCh38, 1-based): chr15:65,877,491, C>T. VCF-style: chr15-65877491-C-T. GRCh37 (hg19) VCF-style: chr15-66169829-C-T.
Other names: c.200C>T, p.Thr67Ile (NM_001206836.2); short protein forms T67I.
Identifiers: ClinVar variation 1707977 (VCV001707977.2), dbSNP rs2549035453, ClinGen allele CA392920709.
Genomic context (GRCh38, chr15:65,877,491, plus strand): 5'-AGTTTGCAACAAGAAGCATCCAGGTTGATGGAAAAACAATAAAGGCACAGATATGGGACA[C>T]AGCAGGGCAAGAGCGATATCGAGCTATAACATCAGCGTAAGTCTCATGGTTTTTAAGTTC-3'
Protein context (NP_004654.1, residues 57-77): GKTIKAQIWD[Thr67Ile]AGQERYRAIT